The following is an entry in ClinVar:

NM_014251.3(SLC25A13):c.89dup (p.Asn30fs)

Gene: SLC25A13 (solute carrier family 25 member 13; minus strand). Cytogenetic location: 7q21.3.
Variant type: Duplication.
Coding change: c.89dup on transcript NM_014251.3 (MANE Select); coding-DNA position 89, one base duplicated (A; older notation c.89dupA).
Protein change: p.Asn30fs; shifts the reading frame from asparagine 30.
Molecular consequence: frameshift variant. On other transcripts: non-coding transcript variant (1).
Genome position (GRCh38, 1-based): chr7:96,277,319, T duplicated on the plus strand (A on the coding strand, the reverse complement: SLC25A13 is on the minus strand); the first of 5 consecutive T bases (chr7:96,277,319-96,277,323); duplicating any one gives the same sequence. VCF-style (leftmost placement, unchanged base first): chr7-96277318-G-GT. GRCh37 (hg19) VCF-style: chr7-95906630-G-GT.
Other names: c.89dup, p.Asn30fs (NM_001160210.2); short protein forms N30fs.
Identifiers: ClinVar variation 2678827 (VCV002678827.4), dbSNP rs1562897434, ClinGen allele CA576585701.

ClinVar aggregate classification (germline): Pathogenic/Likely pathogenic. Review status: criteria provided, multiple submitters, no conflicts (2 of 4 stars). 2 submissions from 2 submitters: Pathogenic (1); Likely pathogenic (1). Last evaluated 2023-05-10.

Conditions:
Citrin deficiency. Identifiers: Orphanet 247582, MedGen C1997910, MONDO:0016602.
Citrullinemia, type II, adult-onset (CDAA). Also called: CITRIN DEFICIENCY, ADOLESCENT OR ADULT ONSET. Identifiers: Orphanet 247585, MedGen CN295299, MONDO:0011326, OMIM 603471.

Submissions (2):

Baylor Genetics
Classification: Likely pathogenic for Citrullinemia, type II, adult-onset. Last evaluated: 2023-05-10. Review status: criteria provided, single submitter. Criteria: ACMG Guidelines, 2015. Collection method: clinical testing. Allele origin: unknown.

Labcorp Genetics (formerly Invitae), Labcorp
Classification: Pathogenic for Citrin deficiency. Last evaluated: 2023-01-29. Review status: criteria provided, single submitter. Criteria: Invitae Variant Classification Sherloc (09022015). Collection method: clinical testing. Allele origin: germline.
Comment: For these reasons, this variant has been classified as Pathogenic. This variant has not been reported in the literature in individuals affected with SLC25A13-related conditions. This variant is present in population databases (no rsID available, gnomAD 0.007%). This sequence change creates a premature translational stop signal (p.Asn30Lysfs*3) in the SLC25A13 gene. It is expected to result in an absent or disrupted protein product. Loss-of-function variants in SLC25A13 are known to be pathogenic (PMID: 10369257, 14680984, 27405544).

Literature cited by the submitters: PubMed 10369257 (cited by Labcorp Genetics (formerly Invitae), Labcorp); PubMed 14680984 (cited by Labcorp Genetics (formerly Invitae), Labcorp); PubMed 27405544 (cited by Labcorp Genetics (formerly Invitae), Labcorp).